The following is an entry in ClinVar:

ClinVar aggregate classification (germline): Conflicting classifications of pathogenicity. Review status: criteria provided, conflicting classifications (1 of 4 stars). 8 submissions from 8 submitters: Uncertain significance (6); Likely benign (2). Last evaluated 2025-10-27.

Conditions:
Hereditary cancer-predisposing syndrome. Also called: Neoplastic Syndromes, Hereditary; Hereditary neoplastic syndrome; Hereditary Cancer Syndrome; Tumor predisposition. Identifiers: Orphanet 140162, MedGen C0027672, MeSH D009386, MONDO:0015356.
Breast-ovarian cancer, familial, susceptibility to, 1 (BROVCA1). Also called: BRCA1 Hereditary Breast and Ovarian Cancer; OVARIAN CANCER, SUSCEPTIBILITY TO. Identifiers: Orphanet 145, MedGen C2676676, MONDO:0011450, OMIM 604370. Disease mechanism: loss of function.
Hereditary breast ovarian cancer syndrome. Also called: Hereditary breast and ovarian cancer syndrome; Breast and ovarian cancer; Hereditary breast and ovarian cancer syndrome (HBOC); Hereditary breast and/or ovarian cancer syndrome; BRCA1- and BRCA2-Associated Hereditary Breast and Ovarian Cancer; Hereditary breast and ovarian cancer. Identifiers: Orphanet 145, MedGen C0677776, MeSH D061325, MONDO:0003582. Disease mechanism: loss of function.

Allele frequency attached by ClinVar (database versions not stated): gnomAD 0.00001.
gnomAD v4.1: 1 of 1,613,946 alleles (0.000062%); highest among the groups gnomAD compares: African/African-American, 0.0013%; no homozygotes.

Submissions (9):

Labcorp Genetics (formerly Invitae), Labcorp
Classification: Uncertain significance for Hereditary breast ovarian cancer syndrome. Last evaluated: 2025-10-27. Review status: criteria provided, single submitter. Criteria: Invitae Variant Classification Sherloc (09022015). Collection method: clinical testing. Allele origin: germline.
Comment: This sequence change replaces leucine, which is neutral and non-polar, with methionine, which is neutral and non-polar, at codon 1701 of the BRCA1 protein (p.Leu1701Met). This variant is present in population databases (no rsID available, gnomAD 0.01%). This variant has not been reported in the literature in individuals affected with BRCA1-related conditions. ClinVar contains an entry for this variant (Variation ID: 409300). Invitae Evidence Modeling incorporating data from in vitro experimental studies (PMID: 30209399) indicates that this missense variant is not expected to disrupt BRCA1 function with a negative predictive value of 95%. Experimental studies are conflicting or provide insufficient evidence to determine the effect of this variant on BRCA1 function (PMID: 30209399, 37085799). In summary, the available evidence is currently insufficient to determine the role of this variant in disease. Therefore, it has been classified as a Variant of Uncertain Significance.

GeneDx
Classification: Uncertain significance. Last evaluated: 2024-12-30. Review status: criteria provided, single submitter. Criteria: GeneDx Variant Classification Process June 2021. Collection method: clinical testing. Allele origin: germline. Affected: yes.
Comment: Not observed at significant frequency in large population cohorts (gnomAD); In silico analysis indicates that this missense variant does not alter protein structure/function; Also known as 5220C>A; This variant is associated with the following publications: (PMID: 25141179, 32257056, 29884841, 32377563, 30209399, 37085799, 38645101, 39142283, 25348405)

Lupski Lab, Baylor-Hopkins CMG, Baylor College of Medicine
Classification: Likely benign for Breast-ovarian cancer, familial, susceptibility to, 1. Last evaluated: 2024-04-12. Review status: criteria provided, single submitter. Criteria: Dawood et al. (medRxiv. 2024). Collection method: curation. Allele origin: germline.
Comment: Each variant was annotated with functional scores from MAVE data which was translated into functional evidence codes. All other evidence codes and combining criteria were adhered to as closely as possible based on the ClinGen VCEP (Variant Curation Expert Panel) gene-specific recommendations. See Supplemental Figure 34 of final paper (Supp Fig. 28 in preprint: doi:10.1101/2024.04.11.24305690) for a table to see which lines of evidence we did not have data for. The ClinGen VCEPs are highly regarded as the gold-standard for gene-specific variant curation and are developed after extensive evaluation of the evidence by clinical and scientific experts for the particular gene to classify genomic variants on a spectrum from pathogenic to benign using the 2015 ACMG/AMP Variant Interpretation Guidelines as a backbone (PMID: 25741868). Reclassification of these VUS variants from gnomAD or All of Us focused only on variants originally prescribed as VUS in ClinVar. To ensure reproducibility, transparency, and increased throughput, all the procedures for annotating variants and assigning evidence codes were codified using Python. All code has been made freely available and is linked in the Code Availability section and all reclassified variants with evidence codes used can be found in Tables S18-19 (preprint: doi:10.1101/2024.04.11.24305690). For the MAVE data, the clinical curation and clinical strength assignment as per the ClinGen recommendations in Brnich et al. (2020) (PMID: 31892348) for or against pathogenicity or benignity of each of these MAVE datasets utilized in this study were previously published in Fayer et al. (2021) (PMID: 34793697).In brief, for BRCA1 variants, if a variant was categorized as FUNC (functional), it was assigned BS3 evidence and no PS3 evidence, whereas if it was categorized as LOF (loss of function), the variant was assigned PS3 evidence and no BS3 evidence. Variants categorized as INT (intermediate) were left unannotated. For the BRCA1 combining criteria, greater than or equal to 1 criteria of strong benign evidence was enough to reclassify the VUS as Likely Benign. This variant GRCh38:17:43063925:G>T was assigned evidence codes ['BS3', 'BP4'] and an overall classification of Likely benign

Quest Diagnostics Nichols Institute San Juan Capistrano
Classification: Uncertain significance. Last evaluated: 2023-12-27. Review status: criteria provided, single submitter. Criteria: Quest Diagnostics criteria. Collection method: clinical testing. Allele origin: unknown.
Comment: The BRCA1 c.5101C>A (p.Leu1701Met) variant, to the best of our knowledge, has not been reported in individuals with BRCA1-related conditions in the published literature. Experimental studies indicate this variant has neutral effects on BRCA1 protein expression and transcriptional activation activity, however the effects of this variant on homology-directed DNA repair were conflicting (PMIDs: 37085799 (2023), 30209399 (2018)). The frequency of this variant in the general population, 0.000032 (1/31392 chromosomes (Genome Aggregation Database)), is uninformative in the assessment of its pathogenicity. Analysis of this variant using bioinformatics tools for the prediction of the effect of amino acid changes on protein structure and function yielded predictions that this variant is damaging. Based on the available information, we are unable to determine the clinical significance of this variant.

All of Us Research Program, National Institutes of Health
Classification: Uncertain significance for Breast-ovarian cancer, familial, susceptibility to, 1. Last evaluated: 2023-11-30. Review status: criteria provided, single submitter. Criteria: ACMG Guidelines, 2015. Collection method: clinical testing. Allele origin: germline. Inheritance: Autosomal dominant inheritance. Observed: 1 variant allele, 1 heterozygote.
Comment: This study involves interpretation of variants in research participants for the purpose of population health screening. Participant phenotype was not available at the time of variant classification. Additional details can be found in publication PMID: 35346344, PMCID: PMC8962531

Ambry Genetics
Classification: Likely benign for Hereditary cancer-predisposing syndrome. Last evaluated: 2021-12-03. Review status: criteria provided, single submitter. Criteria: Ambry Variant Classification Scheme 2023. Collection method: clinical testing. Allele origin: germline.

Color Diagnostics, LLC DBA Color Health
Classification: Uncertain significance for Hereditary cancer-predisposing syndrome. Last evaluated: 2019-03-14. Review status: criteria provided, single submitter. Criteria: ACMG Guidelines, 2015. Collection method: clinical testing. Allele origin: germline.

Women's Health and Genetics/Laboratory Corporation of America, LabCorp
Classification: Uncertain significance. Last evaluated: 2016-08-29. Review status: criteria provided, single submitter. Criteria: LabCorp Variant Classification Summary - May 2015. Collection method: clinical testing. Allele origin: germline.
Comment: Variant summary: The BRCA1 c.5101C>A (p.Leu1701Met) variant involves the alteration of a conserved nucleotide. Leu1701 is a conserved amino acid located in the BRCT domain, and 3/4 in silico tools predict a damaging outcome for this variant (SNPs&GO not captured due to low reliability index). This variant is absent in 120448 control chromosomes, and has not, to our knowledge, been reported in affected individuals via publications and/or reputable databases/clinical diagnostic laboratories; nor evaluated for functional impact by in vivo/vitro studies. Because of the absence of clinical information and the lack of functional studies, the variant is classified as a variant of uncertain significance (VUS) until additional information becomes available.

Brotman Baty Institute, University of Washington
No classification provided (evidence only). Condition: Breast-ovarian cancer, familial 1. Review status: no classification provided. Collection method: in vitro. Allele origin: not applicable. Functional consequence: functionally_normal. Not counted in ClinVar's aggregate classification.
ClinVar note: "not provided" was previously submitted as the classification for the variant. However, the classification appeared to be based only on an observation of functional data so it was converted to no classification on 2025-07-30.

Literature cited by the submitters: PubMed 30209399 (cited by Labcorp Genetics (formerly Invitae), Labcorp and Quest Diagnostics Nichols Institute San Juan Capistrano); PubMed 37085799 (cited by Labcorp Genetics (formerly Invitae), Labcorp and Quest Diagnostics Nichols Institute San Juan Capistrano); PubMed 39142283 (cited by Lupski Lab, Baylor-Hopkins CMG, Baylor College of Medicine); PubMed 34793697 (cited by Lupski Lab, Baylor-Hopkins CMG, Baylor College of Medicine); DOI 10.1101/2024.04.11.24305690 (cited by Lupski Lab, Baylor-Hopkins CMG, Baylor College of Medicine); PubMed 32257056 (cited by Quest Diagnostics Nichols Institute San Juan Capistrano).

NM_007294.4(BRCA1):c.5101C>A (p.Leu1701Met)

Gene: BRCA1 (BRCA1 DNA repair associated; minus strand). Cytogenetic location: 17q21.31.
Variant type: single nucleotide variant.
Coding change: c.5101C>A on transcript NM_007294.4 (MANE Select); coding-DNA position 5101, C replaced by A.
Protein change: p.Leu1701Met; replaces leucine 1701 with methionine.
Molecular consequence: missense variant. On other transcripts: non-coding transcript variant (1).
Genome position (GRCh38, 1-based): chr17:43,063,925, G>T on the plus strand (C>A on the coding strand, the complement: BRCA1 is on the minus strand). VCF-style: chr17-43063925-G-T. GRCh37 (hg19) VCF-style: chr17-41215942-G-T.
Other names: c.4888C>A, p.Leu1630Met (NM_001407571.1, NM_001407894.1, NM_001407895.1 and 12 more transcripts); c.5167C>A, p.Leu1723Met (NM_001407581.1, NM_001407582.1); c.5164C>A, p.Leu1722Met (NM_001407583.1, NM_001407585.1, NM_001407587.1 and 1 more transcripts); c.5161C>A, p.Leu1721Met (NM_001407590.1, NM_001407591.1); c.5101C>A, p.Leu1701Met (NM_001407593.1, NM_001407594.1, NM_001407596.1 and 7 more transcripts); c.5098C>A, p.Leu1700Met (NM_001407617.1, NM_001407618.1, NM_001407619.1 and 17 more transcripts); c.5095C>A, p.Leu1699Met (NM_001407636.1, NM_001407637.1, NM_001407638.1 and 14 more transcripts); c.5092C>A, p.Leu1698Met (NM_001407644.1, NM_001407645.1); and 71 more; short protein forms L1701M, L597M, L1722M, L1654M, L1404M, L1547M, L1573M, L1589M.
Identifiers: ClinVar variation 409300 (VCV000409300.25), dbSNP rs910555398, ClinGen allele CA10591328.